The following is an entry in ClinVar:

NM_015662.3(IFT172):c.3752A>T (p.Asp1251Val)

Genes: IFT172 (intraflagellar transport 172; minus strand), LOC126806173 (BRD4-independent group 4 enhancer GRCh37_chr2:27676057-27677256; plus strand). Cytogenetic location: 2p23.3.
Variant type: single nucleotide variant.
Coding change: c.3752A>T on transcript NM_015662.3 (MANE Select); coding-DNA position 3752, A replaced by T.
Protein change: p.Asp1251Val; replaces aspartic acid 1251 with valine.
Molecular consequence: missense variant.
Genome position (GRCh38, 1-based): chr2:27,453,699, T>A on the plus strand (A>T on the coding strand, the complement: IFT172 is on the minus strand). VCF-style: chr2-27453699-T-A. GRCh37 (hg19) VCF-style: chr2-27676566-T-A.
Other names: c.3752A>T (NM_015662.2); short protein forms D1251V.
Identifiers: ClinVar variation 1040907 (VCV001040907.12), dbSNP rs1665910456, ClinGen allele CA346378010.
Genomic context (GRCh38, chr2:27,453,699, plus strand): 5'-TTCTTAGTAGCTTCCCGCTCATATTCTTCCTGCAGAGCCTCCAGCTGGCTGGGCACATAG[T>A]CCTTGCAGATGCGCAGAGCGTCACTCCATAATCCAGCCTCCTGCTCAGATTTCCAGGTAT-3'
Protein context (NP_056477.1, residues 1241-1261): LWSDALRICK[Asp1251Val]YVPSQLEALQ

ClinVar aggregate classification (germline): Uncertain significance. Review status: criteria provided, multiple submitters, no conflicts (2 of 4 stars). 3 submissions from 3 submitters: Uncertain significance (3). Last evaluated 2025-10-26.

Conditions:
Retinitis pigmentosa 71 (RP71). Identifiers: Orphanet 791, MedGen C4225342, MONDO:0014618, OMIM 616394.
Short-rib thoracic dysplasia 10 with or without polydactyly (SRTD10). Identifiers: Orphanet 474, MedGen C3810175, MONDO:0014284, OMIM 615630.
IFT172-related disorder. Also called: IFT172-related condition; IFT172-related disorders.
Bardet-Biedl syndrome 20. Identifiers: MedGen C4310707, MONDO:0023670, OMIM 619471, MONDO:0014926.

Allele frequency attached by ClinVar (database versions not stated): gnomAD 0.00001; TOPMed 0.00001.
gnomAD v4.1: 1 of 1,612,298 alleles (0.000062%); highest among the groups gnomAD compares: African/African-American, 0.0013%; no homozygotes.

Submissions (3):

PreventionGenetics, part of Exact Sciences
Classification: Uncertain significance for IFT172-related condition. Last evaluated: 2025-10-26. Review status: criteria provided, single submitter. Criteria: ACMG Guidelines, 2015. Collection method: clinical testing. Allele origin: germline.
Comment: The IFT172 c.3752A>T variant is predicted to result in the amino acid substitution p.Asp1251Val. To our knowledge, this variant has not been reported in the literature or in a large population database, indicating this variant is rare. At this time, the clinical significance of this variant is uncertain due to the absence of conclusive functional and genetic evidence.

Fulgent Genetics
Classification: Uncertain significance for Short-rib thoracic dysplasia 10 with or without polydactyly; Retinitis pigmentosa 71; Bardet-Biedl syndrome 20. Last evaluated: 2024-03-07. Review status: criteria provided, single submitter. Criteria: ACMG Guidelines, 2015. Collection method: clinical testing. Allele origin: germline.

Labcorp Genetics (formerly Invitae), Labcorp
Classification: Uncertain significance for Retinitis pigmentosa 71; Short-rib thoracic dysplasia 10 with or without polydactyly. Last evaluated: 2022-01-06. Review status: criteria provided, single submitter. Criteria: Invitae Variant Classification Sherloc (09022015). Collection method: clinical testing. Allele origin: germline.
Comment: Algorithms developed to predict the effect of sequence changes on RNA splicing suggest that this variant may create or strengthen a splice site. In summary, the available evidence is currently insufficient to determine the role of this variant in disease. Therefore, it has been classified as a Variant of Uncertain Significance. Algorithms developed to predict the effect of missense changes on protein structure and function are either unavailable or do not agree on the potential impact of this missense change (SIFT: "Deleterious"; PolyPhen-2: "Benign"; Align-GVGD: "Class C0"). This sequence change replaces aspartic acid, which is acidic and polar, with valine, which is neutral and non-polar, at codon 1251 of the IFT172 protein (p.Asp1251Val). This variant is not present in population databases (gnomAD no frequency). This variant has not been reported in the literature in individuals affected with IFT172-related conditions. ClinVar contains an entry for this variant (Variation ID: 1040907).